The following is an entry in ClinVar:

ClinVar aggregate classification (germline): Conflicting classifications of pathogenicity. Review status: criteria provided, conflicting classifications (1 of 4 stars). 2 submissions from 2 submitters: Uncertain significance (1); Likely benign (1). Last evaluated 2025-06-06.

Conditions:
Inborn genetic diseases. Identifiers: MedGen C0950123, MeSH D030342.

Submissions (2):

Ambry Genetics
Classification: Likely benign for Inborn genetic diseases. Last evaluated: 2025-06-06. Review status: criteria provided, single submitter. Criteria: Ambry Variant Classification Scheme 2023. Collection method: clinical testing. Allele origin: germline.

Labcorp Genetics (formerly Invitae), Labcorp
Classification: Uncertain significance. Last evaluated: 2024-05-06. Review status: criteria provided, single submitter. Criteria: Invitae Variant Classification Sherloc (09022015). Collection method: clinical testing. Allele origin: germline.
Comment: This sequence change replaces glycine, which is neutral and non-polar, with arginine, which is basic and polar, at codon 249 of the MBD4 protein (p.Gly249Arg). This variant is not present in population databases (gnomAD no frequency). This variant has not been reported in the literature in individuals affected with MBD4-related conditions. Algorithms developed to predict the effect of missense changes on protein structure and function output the following: SIFT: "Not Available"; PolyPhen-2: "Benign"; Align-GVGD: "Not Available". The arginine amino acid residue is found in multiple mammalian species, which suggests that this missense change does not adversely affect protein function. In summary, the available evidence is currently insufficient to determine the role of this variant in disease. Therefore, it has been classified as a Variant of Uncertain Significance.

NM_001276270.2(MBD4):c.745G>A (p.Gly249Arg)

Gene: MBD4 (methyl-CpG binding domain 4, DNA glycosylase; minus strand). Cytogenetic location: 3q21.3.
Variant type: single nucleotide variant.
Coding change: c.745G>A on transcript NM_001276270.2 (MANE Select); coding-DNA position 745, G replaced by A.
Protein change: p.Gly249Arg; replaces glycine 249 with arginine.
Molecular consequence: missense variant. On other transcripts: intron variant (1).
Genome position (GRCh38, 1-based): chr3:129,436,899, C>T on the plus strand (G>A on the coding strand, the complement: MBD4 is on the minus strand). VCF-style: chr3-129436899-C-T. GRCh37 (hg19) VCF-style: chr3-129155742-C-T.
Other names: c.745G>A, p.Gly249Arg (NM_001276271.2, NM_001276272.2, NM_003925.3); c.247+909G>A (NM_001276273.2); short protein forms G249R.
Identifiers: ClinVar variation 3652249 (VCV003652249.3).